The following is an entry in ClinVar:

ClinVar aggregate classification (germline): Uncertain significance (1 of 4 stars; one submission).

Submission:

Labcorp Genetics (formerly Invitae), Labcorp
Classification: Uncertain significance. Last evaluated: 2023-12-18. Review status: criteria provided, single submitter. Criteria: Invitae Variant Classification Sherloc (09022015). Collection method: clinical testing. Allele origin: germline.
Comment: This sequence change replaces aspartic acid, which is acidic and polar, with valine, which is neutral and non-polar, at codon 76 of the TUBA1A protein (p.Asp76Val). This variant is not present in population databases (gnomAD no frequency). This variant has not been reported in the literature in individuals affected with TUBA1A-related conditions. An algorithm developed to predict the effect of missense changes on protein structure and function (PolyPhen-2) suggests that this variant is likely to be tolerated. In summary, the available evidence is currently insufficient to determine the role of this variant in disease. Therefore, it has been classified as a Variant of Uncertain Significance.

NM_006009.4(TUBA1A):c.227A>T (p.Asp76Val)

Gene: TUBA1A (tubulin alpha 1a; minus strand). Cytogenetic location: 12q13.12.
Variant type: single nucleotide variant.
Coding change: c.227A>T on transcript NM_006009.4 (MANE Select); coding-DNA position 227, A replaced by T.
Protein change: p.Asp76Val; replaces aspartic acid 76 with valine.
Molecular consequence: missense variant.
Genome position (GRCh38, 1-based): chr12:49,186,458, T>A on the plus strand (A>T on the coding strand, the complement: TUBA1A is on the minus strand). VCF-style: chr12-49186458-T-A. GRCh37 (hg19) VCF-style: chr12-49580241-T-A.
Other names: c.227A>T, p.Asp76Val (NM_001270399.2); c.122A>T, p.Asp41Val (NM_001270400.2); short protein forms D41V, D76V.
Identifiers: ClinVar variation 2702108 (VCV002702108.3), dbSNP rs2498862638, ClinGen allele CA384643790.